The following is an entry in ClinVar:

ClinVar aggregate classification (germline): Uncertain significance (1 of 4 stars; one submission).

Conditions:
Hereditary cancer-predisposing syndrome. Also called: Neoplastic Syndromes, Hereditary; Tumor predisposition; Hereditary Cancer Syndrome; Hereditary neoplastic syndrome. Identifiers: Orphanet 140162, MedGen C0027672, MeSH D009386, MONDO:0015356.

Submission:

Ambry Genetics
Classification: Uncertain significance for Hereditary cancer-predisposing syndrome. Last evaluated: 2025-10-22. Review status: criteria provided, single submitter. Criteria: Ambry Variant Classification Scheme 2023. Collection method: clinical testing. Allele origin: germline.
Comment: The p.G2164R variant (also known as c.6490G>C), located in coding exon 15 of the APC gene, results from a G to C substitution at nucleotide position 6490. The glycine at codon 2164 is replaced by arginine, an amino acid with dissimilar properties. This amino acid position is conserved. In addition, in silico predictors for this gene do not accurately predict pathogenicity. Based on the available evidence, the clinical significance of this variant remains unclear.

NM_000038.6(APC):c.6490G>C (p.Gly2164Arg)

Gene: APC (APC regulator of Wnt signaling pathway; plus strand). Cytogenetic location: 5q22.2.
Variant type: single nucleotide variant.
Coding change: c.6490G>C on transcript NM_000038.6 (MANE Select); coding-DNA position 6490, G replaced by C.
Protein change: p.Gly2164Arg; replaces glycine 2164 with arginine.
Molecular consequence: missense variant. On other transcripts: non-coding transcript variant (2).
Genome position (GRCh38, 1-based): chr5:112,842,084, G>C. VCF-style: chr5-112842084-G-C. GRCh37 (hg19) VCF-style: chr5-112177781-G-C.
Other names: c.6490G>C, p.Gly2164Arg (NM_001127510.3, NM_001354895.2, NM_001407450.1); c.6436G>C, p.Gly2146Arg (NM_001127511.3); c.6544G>C, p.Gly2182Arg (NM_001354896.2, NM_001407447.1, NM_001407448.1 and 1 more transcripts); c.6520G>C, p.Gly2174Arg (NM_001354897.2); c.6415G>C, p.Gly2139Arg (NM_001354898.2); c.6406G>C, p.Gly2136Arg (NM_001354899.2); c.6367G>C, p.Gly2123Arg (NM_001354900.2); c.6313G>C, p.Gly2105Arg (NM_001354901.2, NM_001407453.1); and 11 more; short protein forms G2004R, G2063R, G2073R, G2105R, G2123R, G2139R, G2146R, G2154R.
Identifiers: ClinVar variation 4585377 (VCV004585377.1).